The following is an entry in ClinVar:

ClinVar aggregate classification (germline): Likely benign (1 of 4 stars; one submission).

gnomAD v4.1: 28 of 1,565,622 alleles (0.0018%); highest among the groups gnomAD compares: Admixed American, 0.039%; no homozygotes.

Submission:

CeGaT Center for Human Genetics Tuebingen
Classification: Likely benign. Last evaluated: 2026-02-01. Review status: criteria provided, single submitter. Criteria: CeGaT Center For Human Genetics Tuebingen Variant Classification Criteria Version 2. Collection method: clinical testing. Allele origin: germline. Affected: yes. Observed: 1 variant allele.
Comment: KIF26A: BP4, BP7

NM_015656.2(KIF26A):c.5046G>A (p.Glu1682=)

Gene: KIF26A (kinesin family member 26A; plus strand). Cytogenetic location: 14q32.33.
Variant type: single nucleotide variant.
Coding change: c.5046G>A on transcript NM_015656.2 (MANE Select); coding-DNA position 5046, G replaced by A.
Protein change: p.Glu1682=; no amino-acid change (glutamic acid 1682 retained).
Molecular consequence: synonymous variant.
Genome position (GRCh38, 1-based): chr14:104,177,834, G>A. VCF-style: chr14-104177834-G-A. GRCh37 (hg19) VCF-style: chr14-104644171-G-A.
Identifiers: ClinVar variation 4821892 (VCV004821892.4).